The following is an entry in ClinVar:

ClinVar aggregate classification (germline): Pathogenic/Likely pathogenic. Review status: criteria provided, multiple submitters, no conflicts (2 of 4 stars). 2 submissions from 2 submitters: Pathogenic (1); Likely pathogenic (1). Last evaluated 2023-01-09.

Conditions:
Joubert syndrome 21 (JBTS21). Identifiers: MedGen C3810212, MONDO:0014288, OMIM 615636.

Submissions (2):

Labcorp Genetics (formerly Invitae), Labcorp
Classification: Pathogenic for Joubert syndrome 21. Last evaluated: 2023-01-09. Review status: criteria provided, single submitter. Criteria: Invitae Variant Classification Sherloc (09022015). Collection method: clinical testing. Allele origin: germline.
Comment: For these reasons, this variant has been classified as Pathogenic. ClinVar contains an entry for this variant (Variation ID: 449938). This variant has not been reported in the literature in individuals affected with CSPP1-related conditions. This variant is not present in population databases (gnomAD no frequency). This sequence change creates a premature translational stop signal (p.Leu601Cysfs*26) in the CSPP1 gene. It is expected to result in an absent or disrupted protein product. Loss-of-function variants in CSPP1 are known to be pathogenic (PMID: 24360807, 24360808).

GeneDx
Classification: Likely pathogenic. Last evaluated: 2017-04-17. Review status: criteria provided, single submitter. Criteria: GeneDx Variant Classification (06012015). Collection method: clinical testing. Allele origin: germline. Affected: yes.
Comment: A variant that is likely pathogenic has been identified in the CSPP1 gene. The c.1802delT variant has not been published as a pathogenic variant, nor has it been reported as a benign variant to our knowledge. It is not observed in large population cohorts (Lek et al., 2016; 1000 Genomes Consortium et al., 2015; Exome Variant Server). The c.1802delT variant causes a frameshift starting with codon Leucine 601, changes this amino acid to a Cysteine residue, and creates a premature Stop codon at position 26 of the new reading frame, denoted p.Leu601CysfsX26. This variant is predicted to cause loss of normal protein function either through protein truncation or nonsense-mediated mRNA decay. Therefore, the c.1802delT variant is likely pathogenic; however, the possibility that it is benign cannot be excluded.

Literature cited by the submitters: PubMed 24360807 (cited by Labcorp Genetics (formerly Invitae), Labcorp); PubMed 24360808 (cited by Labcorp Genetics (formerly Invitae), Labcorp).

NM_001382391.1(CSPP1):c.1817del (p.Leu606fs)

Gene: CSPP1 (centrosome and spindle pole associated protein 1; plus strand). Cytogenetic location: 8q13.2.
Variant type: Deletion.
Coding change: c.1817del on transcript NM_001382391.1 (MANE Select); coding-DNA position 1817, one base deleted (T; older notation c.1817delT).
Protein change: p.Leu606fs; shifts the reading frame from leucine 606.
Molecular consequence: frameshift variant.
Genome position (GRCh38, 1-based): chr8:67,132,070, T deleted; the last of 3 consecutive T bases (chr8:67,132,068-67,132,070); deleting any one gives the same sequence. VCF-style (leftmost placement, unchanged base first): chr8-67132067-CT-C. GRCh37 (hg19) VCF-style: chr8-68044302-CT-C.
Other names: c.1802delT (NM_024790.6); c.920del, p.Leu307fs (NM_001291339.2); c.1736del, p.Leu579fs (NM_001363131.2); c.1775del, p.Leu592fs (NM_001363132.2); c.1694del, p.Leu565fs (NM_001363133.2); c.1883del, p.Leu628fs (NM_001364869.1); c.1703del, p.Leu568fs (NM_001364870.1); c.1802delT, p.Leu601Cysfs (NM_024790.7); short protein forms L307fs, L568fs, L565fs, L579fs, L592fs, L601fs, L628fs, L606fs.
Identifiers: ClinVar variation 449938 (VCV000449938.7), dbSNP rs1021950925, ClinGen allele CA178221904.